The following is an entry in ClinVar:

NM_001127222.2(CACNA1A):c.1822A>T (p.Asn608Tyr)

Gene: CACNA1A (calcium voltage-gated channel subunit alpha1 A; minus strand). Cytogenetic location: 19p13.13.
Variant type: single nucleotide variant.
Coding change: c.1822A>T on transcript NM_001127222.2 (MANE Select); coding-DNA position 1822, A replaced by T.
Protein change: p.Asn608Tyr; replaces asparagine 608 with tyrosine.
Molecular consequence: missense variant.
Genome position (GRCh38, 1-based): chr19:13,308,211, T>A on the plus strand (A>T on the coding strand, the complement: CACNA1A is on the minus strand). VCF-style: chr19-13308211-T-A. GRCh37 (hg19) VCF-style: chr19-13419025-T-A.
Other names: c.1825A>T, p.Asn609Tyr (NM_000068.4, NM_001127221.2, NM_001174080.2 and 1 more transcripts); short protein forms N608Y, N609Y.
Identifiers: ClinVar variation 1326060 (VCV001326060.2), dbSNP rs1476877900, ClinGen allele CA404344916.

ClinVar aggregate classification (germline): Uncertain significance (1 of 4 stars; one submission).

Submission:

GeneDx
Classification: Uncertain significance. Last evaluated: 2021-05-20. Review status: criteria provided, single submitter. Criteria: GeneDx Variant Classification Process June 2021. Collection method: clinical testing. Allele origin: germline. Affected: yes.
Comment: Not observed in large population cohorts (Lek et al., 2016); In silico analysis supports that this missense variant has a deleterious effect on protein structure/function; Has not been previously published as pathogenic or benign to our knowledge